The following is an entry in ClinVar:

NM_002471.4(MYH6):c.173A>G (p.Lys58Arg)

Genes: MYH6 (myosin heavy chain 6; minus strand), LOC114827851 (VISTA enhancer hs2155; plus strand). Cytogenetic location: 14q11.2.
Variant type: single nucleotide variant.
Coding change: c.173A>G on transcript NM_002471.4 (MANE Select); coding-DNA position 173, A replaced by G.
Protein change: p.Lys58Arg; replaces lysine 58 with arginine.
Molecular consequence: missense variant.
Genome position (GRCh38, 1-based): chr14:23,407,051, T>C on the plus strand (A>G on the coding strand, the complement: MYH6 is on the minus strand). VCF-style: chr14-23407051-T-C. GRCh37 (hg19) VCF-style: chr14-23876260-T-C.
Other names: short protein forms K58R.
Identifiers: ClinVar variation 1494173 (VCV001494173.6), dbSNP rs1427899950, ClinGen allele CA389031911.

ClinVar aggregate classification (germline): Uncertain significance (1 of 4 stars; one submission).

Conditions:
Hypertrophic cardiomyopathy 14. Identifiers: MedGen C2750467, MONDO:0013197, OMIM 613251.

Allele frequency attached by ClinVar (database versions not stated): gnomAD exomes below 0.00001.
gnomAD v4.1: 2 of 1,614,178 alleles (0.00012%); highest among the groups gnomAD compares: African/African-American, 0.0013%; no homozygotes.

Submission:

Labcorp Genetics (formerly Invitae), Labcorp
Classification: Uncertain significance for Hypertrophic cardiomyopathy 14. Last evaluated: 2021-10-24. Review status: criteria provided, single submitter. Criteria: Invitae Variant Classification Sherloc (09022015). Collection method: clinical testing. Allele origin: germline.
Comment: In summary, the available evidence is currently insufficient to determine the role of this variant in disease. Therefore, it has been classified as a Variant of Uncertain Significance. Algorithms developed to predict the effect of missense changes on protein structure and function are either unavailable or do not agree on the potential impact of this missense change (SIFT: "Deleterious"; PolyPhen-2: "Benign"; Align-GVGD: "Class C0"). This variant has not been reported in the literature in individuals affected with MYH6-related conditions. This variant is not present in population databases (ExAC no frequency). This sequence change replaces lysine with arginine at codon 58 of the MYH6 protein (p.Lys58Arg). The lysine residue is weakly conserved and there is a small physicochemical difference between lysine and arginine.